The following is an entry in ClinVar:

ClinVar aggregate classification (germline): Uncertain significance (0 of 4 stars; one submission).

Conditions:
MTOR-related disorder. Also called: MTOR-related condition.

Submission:

PreventionGenetics, part of Exact Sciences
Classification: Uncertain significance for MTOR-related condition. Last evaluated: 2024-03-20. Review status: no assertion criteria provided. Collection method: clinical testing. Allele origin: germline.
Comment: The MTOR c.3262C>G variant is predicted to result in the amino acid substitution p.Pro1088Ala. To our knowledge, this variant has not been reported in the literature or in a large population database, indicating this variant is rare. At this time, the clinical significance of this variant is uncertain due to the absence of conclusive functional and genetic evidence.

NM_004958.4(MTOR):c.3262C>G (p.Pro1088Ala)

Gene: MTOR (mechanistic target of rapamycin kinase; minus strand). Cytogenetic location: 1p36.22.
Variant type: single nucleotide variant.
Coding change: c.3262C>G on transcript NM_004958.4 (MANE Select); coding-DNA position 3262, C replaced by G.
Protein change: p.Pro1088Ala; replaces proline 1088 with alanine.
Molecular consequence: missense variant.
Genome position (GRCh38, 1-based): chr1:11,213,422, G>C on the plus strand (C>G on the coding strand, the complement: MTOR is on the minus strand). VCF-style: chr1-11213422-G-C. GRCh37 (hg19) VCF-style: chr1-11273479-G-C.
Other names: c.3262C>G, p.Pro1088Ala (NM_001386500.1); c.2014C>G, p.Pro672Ala (NM_001386501.1); short protein forms P1088A, P672A.
Identifiers: ClinVar variation 3348319 (VCV003348319.1).
Genomic context (GRCh38, chr1:11,213,422, plus strand): 5'-CAGAAAATCTCTCTGGAGGATGACGTAGGCTACTCACCTTGATAGAGACAATGCGGCCTG[G>C]GCTGTTGTCATGCATGAAGACACGCAGCATGTGTGGGATCAGCTGGGGCAGGTAGAGCTT-3'
Protein context (NP_004949.1, residues 1078-1098): MLRVFMHDNS[Pro1088Ala]GRIVSIKLLA